The following is an entry in ClinVar:

ClinVar aggregate classification (germline): Uncertain significance. Review status: criteria provided, multiple submitters, no conflicts (2 of 4 stars). 4 submissions from 4 submitters: Uncertain significance (4). Last evaluated 2024-09-05.

Conditions:
Autosomal recessive nonsyndromic hearing loss 8 (DFNB8). Also called: NEUROSENSORY NONSYNDROMIC RECESSIVE DEAFNESS 8; Deafness, autosomal recessive 10. Identifiers: Orphanet 90636, MedGen C1832827, MONDO:0010987, OMIM 601072.
Inborn genetic diseases. Identifiers: MedGen C0950123, MeSH D030342.

Allele frequency attached by ClinVar (database versions not stated): gnomAD exomes 0.00003 and 0.00004; ExAC 0.00004; TOPMed 0.00005; ESP Exome Variant Server 0.00031.
gnomAD v4.1: 66 of 1,614,050 alleles (0.0041%); highest among the groups gnomAD compares: African/African-American, 0.02%; no homozygotes.

Submissions (4):

Blueprint Genetics
Classification: Uncertain significance. Last evaluated: 2024-09-05. Review status: criteria provided, single submitter. Criteria: ACMG Guidelines, 2015. Collection method: clinical testing. Allele origin: germline.

Ambry Genetics
Classification: Uncertain significance for Inborn genetic diseases. Last evaluated: 2023-04-19. Review status: criteria provided, single submitter. Criteria: Ambry Variant Classification Scheme 2023. Collection method: clinical testing. Allele origin: germline.

Labcorp Genetics (formerly Invitae), Labcorp
Classification: Uncertain significance. Last evaluated: 2022-09-19. Review status: criteria provided, single submitter. Criteria: Invitae Variant Classification Sherloc (09022015). Collection method: clinical testing. Allele origin: germline.
Comment: This sequence change replaces isoleucine, which is neutral and non-polar, with threonine, which is neutral and polar, at codon 54 of the TMPRSS3 protein (p.Ile54Thr). This variant is present in population databases (rs142317371, gnomAD 0.04%). This variant has not been reported in the literature in individuals affected with TMPRSS3-related conditions. ClinVar contains an entry for this variant (Variation ID: 898607). Algorithms developed to predict the effect of missense changes on protein structure and function (SIFT, PolyPhen-2, Align-GVGD) all suggest that this variant is likely to be tolerated. In summary, the available evidence is currently insufficient to determine the role of this variant in disease. Therefore, it has been classified as a Variant of Uncertain Significance.

Illumina Laboratory Services, Illumina
Classification: Uncertain significance for Autosomal recessive nonsyndromic hearing loss 8. Last evaluated: 2018-01-13. Review status: criteria provided, single submitter. Criteria: ICSL Variant Classification Criteria 13 December 2019. Collection method: clinical testing. Allele origin: germline.

NM_001256317.3(TMPRSS3):c.161T>C (p.Ile54Thr)

Gene: TMPRSS3 (transmembrane serine protease 3; minus strand). Cytogenetic location: 21q22.3.
Variant type: single nucleotide variant.
Coding change: c.161T>C on transcript NM_001256317.3 (MANE Select); coding-DNA position 161, T replaced by C.
Protein change: p.Ile54Thr; replaces isoleucine 54 with threonine.
Molecular consequence: missense variant.
Genome position (GRCh38, 1-based): chr21:42,389,971, A>G on the plus strand (T>C on the coding strand, the complement: TMPRSS3 is on the minus strand). VCF-style: chr21-42389971-A-G. GRCh37 (hg19) VCF-style: chr21-43810080-A-G.
Other names: c.161T>C, p.Ile54Thr (NM_024022.4, NM_032405.2); short protein forms I54T.
Identifiers: ClinVar variation 898607 (VCV000898607.8), dbSNP rs142317371, ClinGen allele CA10042737.